The following is an entry in ClinVar:

ClinVar aggregate classification (germline): Uncertain significance (1 of 4 stars; one submission).

Submission:

Ambry Genetics
Classification: Uncertain significance. Last evaluated: 2024-04-24. Review status: criteria provided, single submitter. Criteria: Ambry Variant Classification Scheme 2023. Collection method: clinical testing. Allele origin: germline.
Comment: The p.S1049T variant (also known as c.3145T>A), located in coding exon 17 of the PALLD gene, results from a T to A substitution at nucleotide position 3145. The serine at codon 1049 is replaced by threonine, an amino acid with similar properties. This amino acid position is conserved. In addition, this alteration is predicted to be tolerated by in silico analysis. Based on the available evidence, the clinical significance of this variant remains unclear.

NM_001166108.2(PALLD):c.3196T>A (p.Ser1066Thr)

Genes: CBR4 (carbonyl reductase 4; minus strand), PALLD (palladin, cytoskeletal associated protein; plus strand). Cytogenetic location: 4q32.3.
Variant type: single nucleotide variant.
Coding change: c.3196T>A on transcript NM_001166108.2 (MANE Select); coding-DNA position 3196, T replaced by A.
Protein change: p.Ser1066Thr; replaces serine 1066 with threonine.
Molecular consequence: missense variant.
Genome position (GRCh38, 1-based): chr4:168,924,392, T>A. VCF-style: chr4-168924392-T-A. GRCh37 (hg19) VCF-style: chr4-169845543-T-A.
Other names: c.1999T>A, p.Ser667Thr (NM_001166109.2); c.1684T>A, p.Ser562Thr (NM_001166110.2); c.1024T>A, p.Ser342Thr (NM_001367567.1, NM_001367569.1); c.1075T>A, p.Ser359Thr (NM_001367568.1, NM_001367570.1); c.3145T>A, p.Ser1049Thr (NM_016081.4); short protein forms S1049T, S342T, S562T, S667T, S1066T, S359T.
Identifiers: ClinVar variation 3304070 (VCV003304070.1).